The following is an entry in ClinVar:

NM_001365999.1(SZT2):c.8669C>T (p.Pro2890Leu)

Gene: SZT2 (SZT2 subunit of KICSTOR complex; plus strand). Cytogenetic location: 1p34.2.
Variant type: single nucleotide variant.
Coding change: c.8669C>T on transcript NM_001365999.1 (MANE Select); coding-DNA position 8669, C replaced by T.
Protein change: p.Pro2890Leu; replaces proline 2890 with leucine.
Molecular consequence: missense variant.
Genome position (GRCh38, 1-based): chr1:43,443,640, C>T. VCF-style: chr1-43443640-C-T. GRCh37 (hg19) VCF-style: chr1-43909311-C-T.
Other names: c.8498C>T, p.Pro2833Leu (NM_015284.4); short protein forms P2833L, P2890L.
Identifiers: ClinVar variation 943194 (VCV000943194.31), dbSNP rs757574042, ClinGen allele CA810650.

ClinVar aggregate classification (germline): Uncertain significance. Review status: criteria provided, multiple submitters, no conflicts (2 of 4 stars). 3 submissions from 3 submitters: Uncertain significance (3). Last evaluated 2023-04-11.

Conditions:
Developmental and epileptic encephalopathy, 18 (DEE18). Also called: Early infantile epileptic encephalopathy 18. Identifiers: Orphanet 369894, MedGen C3809624, MONDO:0014201, OMIM 615476.

Allele frequency attached by ClinVar (database versions not stated): ExAC 0.00001; gnomAD 0.00001 and 0.00002; gnomAD exomes 0.00001 and 0.00003; TOPMed 0.00002.
gnomAD v4.1: 48 of 1,614,104 alleles (0.003%); highest among the groups gnomAD compares: Non-Finnish European, 0.0038%; no homozygotes.

Submissions (3):

Genome-Nilou Lab
Classification: Uncertain significance for Developmental and epileptic encephalopathy, 18. Last evaluated: 2023-04-11. Review status: criteria provided, single submitter. Criteria: ACMG Guidelines, 2015. Collection method: clinical testing. Allele origin: germline. Affected: no.

CeGaT Center for Human Genetics Tuebingen
Classification: Uncertain significance. Last evaluated: 2022-09-01. Review status: criteria provided, single submitter. Criteria: CeGaT Center For Human Genetics Tuebingen Variant Classification Criteria Version 2. Collection method: clinical testing. Allele origin: germline. Affected: yes. Observed: 1 variant allele.
Comment: SZT2: PM2, BP4

Labcorp Genetics (formerly Invitae), Labcorp
Classification: Uncertain significance. Last evaluated: 2022-03-31. Review status: criteria provided, single submitter. Criteria: Invitae Variant Classification Sherloc (09022015). Collection method: clinical testing. Allele origin: germline.
Comment: ClinVar contains an entry for this variant (Variation ID: 943194). In summary, the available evidence is currently insufficient to determine the role of this variant in disease. Therefore, it has been classified as a Variant of Uncertain Significance. Algorithms developed to predict the effect of missense changes on protein structure and function are either unavailable or do not agree on the potential impact of this missense change (SIFT: "Deleterious"; PolyPhen-2: "Benign"; Align-GVGD: "Class C0"). This variant has not been reported in the literature in individuals affected with SZT2-related conditions. This variant is present in population databases (rs757574042, gnomAD 0.002%). This sequence change replaces proline, which is neutral and non-polar, with leucine, which is neutral and non-polar, at codon 2833 of the SZT2 protein (p.Pro2833Leu).